The following is an entry in ClinVar:

NM_001943.5(DSG2):c.2573C>T (p.Ala858Val)

Genes: DSG2 (desmoglein 2; plus strand), DSG2-AS1 (DSG2 antisense RNA 1; minus strand). Cytogenetic location: 18q12.1.
Variant type: single nucleotide variant.
Coding change: c.2573C>T on transcript NM_001943.5 (MANE Select); coding-DNA position 2573, C replaced by T.
Protein change: p.Ala858Val; replaces alanine 858 with valine.
Molecular consequence: missense variant.
Genome position (GRCh38, 1-based): chr18:31,545,959, C>T. VCF-style: chr18-31545959-C-T. GRCh37 (hg19) VCF-style: chr18-29125922-C-T.
Other names: short protein forms A858V.
Identifiers: ClinVar variation 3074866 (VCV003074866.1), dbSNP rs2510922305, ClinGen allele CA402145200.

ClinVar aggregate classification (germline): Uncertain significance (1 of 4 stars; one submission).

Conditions:
Arrhythmogenic right ventricular cardiomyopathy (ARVD). Also called: Arrhythmogenic right ventricular dysplasia; Cardiomyopathy, ARVC; Arrhythmogenic cardiomyopathy; Arrhythmogenic Right Ventricular Cardiomyopathy (ARVC). Identifiers: Orphanet 247, MedGen C0349788, MeSH D019571, MONDO:0016587. Disease mechanism: loss of function. Inheritance: Various modes of inheritance.

Submission:

All of Us Research Program, National Institutes of Health
Classification: Uncertain significance for Arrhythmogenic right ventricular cardiomyopathy. Last evaluated: 2023-12-13. Review status: criteria provided, single submitter. Criteria: ACMG Guidelines, 2015. Collection method: clinical testing. Allele origin: germline. Inheritance: Autosomal dominant inheritance. Observed: 1 variant allele, 1 heterozygote.
Comment: This missense variant replaces alanine with valine at codon 858 of the DSG2 protein. Computational prediction suggests that this variant may not impact protein structure and function (internally defined REVEL score threshold <= 0.5, PMID: 27666373). To our knowledge, functional studies have not been reported for this variant. This variant has been reported in an individual who experienced sudden cardiac death where sequencing was limited to the DSG2 gene (PMID: 26296472). This variant has not been identified in the general population by the Genome Aggregation Database (gnomAD). The available evidence is insufficient to determine the role of this variant in disease conclusively. Therefore, this variant is classified as a Variant of Uncertain Significance.

This study involves interpretation of variants in research participants for the purpose of population health screening. Participant phenotype was not available at the time of variant classification. Additional details can be found in publication PMID: 35346344, PMCID: PMC8962531

Literature cited by the submitters: PubMed 26296472.